The following is an entry in ClinVar:

ClinVar aggregate classification (germline): Likely benign (1 of 4 stars; one submission).

Submission:

CeGaT Center for Human Genetics Tuebingen
Classification: Likely benign. Last evaluated: 2022-05-01. Review status: criteria provided, single submitter. Criteria: CeGaT Center For Human Genetics Tuebingen Variant Classification Criteria Version 2. Collection method: clinical testing. Allele origin: germline. Affected: yes. Observed: 1 variant allele.
Comment: MPHOSPH6: PM2:Supporting, BP4, BP7

NM_005792.2(MPHOSPH6):c.196C>T (p.Leu66=)

Gene: MPHOSPH6 (M-phase phosphoprotein 6; minus strand). Cytogenetic location: 16q23.3.
Variant type: single nucleotide variant.
Coding change: c.196C>T on transcript NM_005792.2 (MANE Select); coding-DNA position 196, C replaced by T.
Protein change: p.Leu66=; no amino-acid change (leucine 66 retained).
Molecular consequence: synonymous variant.
Genome position (GRCh38, 1-based): chr16:82,151,483, G>A on the plus strand (C>T on the coding strand, the complement: MPHOSPH6 is on the minus strand). VCF-style: chr16-82151483-G-A. GRCh37 (hg19) VCF-style: chr16-82185088-G-A.
Identifiers: ClinVar variation 2646901 (VCV002646901.24), dbSNP rs2507314142, ClinGen allele CA496716532.